The following is an entry in ClinVar:

NM_000350.3(ABCA4):c.859-502C>T

Gene: ABCA4 (ATP binding cassette subfamily A member 4; minus strand). Cytogenetic location: 1p22.1.
Variant type: single nucleotide variant.
Coding change: c.859-502C>T on transcript NM_000350.3 (MANE Select); 502 bases into the intron before coding-DNA position 859, C replaced by T.
Molecular consequence: intron variant.
Genome position (GRCh38, 1-based): chr1:94,081,220, G>A on the plus strand (C>T on the coding strand, the complement: ABCA4 is on the minus strand). VCF-style: chr1-94081220-G-A. GRCh37 (hg19) VCF-style: chr1-94546776-G-A.
Other names: c.859-502C>T (NM_000350.2, NM_001425324.1).
Identifiers: ClinVar variation 4900801 (VCV004900801.2).

ClinVar aggregate classification (germline): Conflicting classifications of pathogenicity. Review status: criteria provided, conflicting classifications (1 of 4 stars). 2 submissions from 2 submitters: Uncertain significance (1); Likely benign (1). Last evaluated 2024-10-15.

Conditions:
ABCA4-related disorder. Also called: ABCA4-related disorders; ABCA4-related condition. Identifiers: MedGen CN239167.

gnomAD v4.1: 22 of 151,818 alleles (0.014%); highest among the groups gnomAD compares: African/African-American, 0.022%; no homozygotes.

Submissions (2):

PreventionGenetics, part of Exact Sciences
Classification: Likely benign for ABCA4-related condition. Last evaluated: 2024-10-15. Review status: criteria provided, single submitter. Criteria: ACMG Guidelines, 2015. Collection method: clinical testing. Allele origin: germline.
Comment: This variant is classified as likely benign based on ACMG/AMP sequence variant interpretation guidelines (Richards et al. 2015 PMID: 25741868, with internal and published modifications).

Blueprint Genetics
Classification: Uncertain significance. Last evaluated: 2023-03-23. Review status: criteria provided, single submitter. Criteria: ACMG Guidelines, 2015. Collection method: clinical testing. Allele origin: germline.